The following is an entry in ClinVar:

ClinVar aggregate classification (germline): Uncertain significance (1 of 4 stars; one submission).

Conditions:
Psoriasis 2. Identifiers: MedGen C1864497, MONDO:0011269, OMIM 602723.
Pityriasis rubra pilaris (PRP). Also called: Pityriasis rubra pilaris--familial type. Identifiers: Orphanet 2897, MedGen C0032027, MONDO:0100017, OMIM 173200, MONDO:0008251.

Allele frequency attached by ClinVar (database versions not stated): TOPMed below 0.00001; gnomAD exomes 0.00001; ExAC 0.00002.
gnomAD v4.1: 6 of 1,614,096 alleles (0.00037%); highest among the groups gnomAD compares: Admixed American, 0.0083%; no homozygotes.

Submission:

Labcorp Genetics (formerly Invitae), Labcorp
Classification: Uncertain significance for Pityriasis rubra pilaris; Psoriasis 2. Last evaluated: 2023-08-27. Review status: criteria provided, single submitter. Criteria: Invitae Variant Classification Sherloc (09022015). Collection method: clinical testing. Allele origin: germline.
Comment: In summary, the available evidence is currently insufficient to determine the role of this variant in disease. Therefore, it has been classified as a Variant of Uncertain Significance. Advanced modeling of protein sequence and biophysical properties (such as structural, functional, and spatial information, amino acid conservation, physicochemical variation, residue mobility, and thermodynamic stability) performed at Invitae indicates that this missense variant is not expected to disrupt CARD14 protein function. This variant has not been reported in the literature in individuals affected with CARD14-related conditions. This variant is present in population databases (rs780550585, gnomAD 0.01%). This sequence change replaces methionine, which is neutral and non-polar, with isoleucine, which is neutral and non-polar, at codon 338 of the CARD14 protein (p.Met338Ile).

NM_001366385.1(CARD14):c.1014G>A (p.Met338Ile)

Gene: CARD14 (caspase recruitment domain family member 14; plus strand). Cytogenetic location: 17q25.3.
Variant type: single nucleotide variant.
Coding change: c.1014G>A on transcript NM_001366385.1 (MANE Select); coding-DNA position 1014, G replaced by A.
Protein change: p.Met338Ile; replaces methionine 338 with isoleucine.
Molecular consequence: missense variant.
Genome position (GRCh38, 1-based): chr17:80,190,824, G>A. VCF-style: chr17-80190824-G-A. GRCh37 (hg19) VCF-style: chr17-78164623-G-A.
Other names: c.1014G>A, p.Met338Ile (NM_001257970.1, NM_024110.4); c.303G>A, p.Met101Ile (NM_052819.3); short protein forms M101I, M338I.
Identifiers: ClinVar variation 2937459 (VCV002937459.3), dbSNP rs780550585, ClinGen allele CA8816622.